The following is an entry in ClinVar:

ClinVar aggregate classification (germline): Uncertain significance (0 of 4 stars; one submission).

Conditions:
TANC2-related disorder. Also called: TANC2-related condition.

Submission:

PreventionGenetics, part of Exact Sciences
Classification: Uncertain significance for TANC2-related condition. Last evaluated: 2024-08-24. Review status: no assertion criteria provided. Collection method: clinical testing. Allele origin: germline.
Comment: The TANC2 c.1624G>A variant is predicted to result in the amino acid substitution p.Asp542Asn. To our knowledge, this variant has not been reported in the literature or in a large population database, indicating this variant is rare. At this time, the clinical significance of this variant is uncertain due to the absence of conclusive functional and genetic evidence.

NM_001394998.1(TANC2):c.1846G>A (p.Asp616Asn)

Gene: TANC2 (tetratricopeptide repeat, ankyrin repeat and coiled-coil containing 2; plus strand). Cytogenetic location: 17q23.3.
Variant type: single nucleotide variant.
Coding change: c.1846G>A on transcript NM_001394998.1 (MANE Select); coding-DNA position 1846, G replaced by A.
Protein change: p.Asp616Asn; replaces aspartic acid 616 with asparagine.
Molecular consequence: missense variant.
Genome position (GRCh38, 1-based): chr17:63,351,288, G>A. VCF-style: chr17-63351288-G-A. GRCh37 (hg19) VCF-style: chr17-61428649-G-A.
Other names: c.1624G>A, p.Asp542Asn (NM_001411076.1, NM_025185.4); short protein forms D542N, D616N.
Identifiers: ClinVar variation 3348846 (VCV003348846.1).